The following is an entry in ClinVar:

NM_006904.7(PRKDC):c.1537G>C (p.Glu513Gln)

Gene: PRKDC (protein kinase, DNA-activated, catalytic subunit; minus strand). Cytogenetic location: 8q11.21.
Variant type: single nucleotide variant.
Coding change: c.1537G>C on transcript NM_006904.7 (MANE Select); coding-DNA position 1537, G replaced by C.
Protein change: p.Glu513Gln; replaces glutamic acid 513 with glutamine.
Molecular consequence: missense variant.
Genome position (GRCh38, 1-based): chr8:47,934,051, C>G on the plus strand (G>C on the coding strand, the complement: PRKDC is on the minus strand). VCF-style: chr8-47934051-C-G. GRCh37 (hg19) VCF-style: chr8-48846611-C-G.
Other names: c.1537G>C, p.Glu513Gln (NM_001081640.2); short protein forms E513Q.
Identifiers: ClinVar variation 1774743 (VCV001774743.2), dbSNP rs2090304785, ClinGen allele CA371165437.

ClinVar aggregate classification (germline): Uncertain significance (1 of 4 stars; one submission).

gnomAD v4.1: 1 of 1,613,796 alleles (0.000062%); no homozygotes.

Submission:

Ambry Genetics
Classification: Uncertain significance. Last evaluated: 2022-09-04. Review status: criteria provided, single submitter. Criteria: Ambry Variant Classification Scheme 2023. Collection method: clinical testing. Allele origin: germline.
Comment: The p.E513Q variant (also known as c.1537G>C), located in coding exon 15 of the PRKDC gene, results from a G to C substitution at nucleotide position 1537. The glutamic acid at codon 513 is replaced by glutamine, an amino acid with highly similar properties. This amino acid position is conserved. In addition, this alteration is predicted to be tolerated by in silico analysis. Since supporting evidence is limited at this time, the clinical significance of this alteration remains unclear.